The following is an entry in ClinVar:

ClinVar aggregate classification (germline): Uncertain significance. Review status: criteria provided, multiple submitters, no conflicts (2 of 4 stars). 3 submissions from 3 submitters: Uncertain significance (3). Last evaluated 2026-02-01.

Conditions:
Benign neonatal seizures. Also called: Convulsions benign familial neonatal dominant form; Autosomal dominant form of benign neonatal seizures; Benign familial neonatal seizures; Benign neonatal familial convulsions; Benign familial neonatal epilepsy. Identifiers: Orphanet 1949, MedGen C0220669, MONDO:0016027.

Allele frequency attached by ClinVar (database versions not stated): TOPMed 0.00002; gnomAD 0.00006; 1000 Genomes Project 30x 0.00031; 1000 Genomes Project 0.00040.
gnomAD v4.1: 40 of 1,614,124 alleles (0.0025%); highest among the groups gnomAD compares: South Asian, 0.02%; no homozygotes.

Submissions (3):

CeGaT Center for Human Genetics Tuebingen
Classification: Uncertain significance. Last evaluated: 2026-02-01. Review status: criteria provided, single submitter. Criteria: CeGaT Center For Human Genetics Tuebingen Variant Classification Criteria Version 2. Collection method: clinical testing. Allele origin: germline. Affected: yes. Observed: 3 variant alleles.
Comment: KCNQ3: PP2

Labcorp Genetics (formerly Invitae), Labcorp
Classification: Uncertain significance for Benign neonatal seizures. Last evaluated: 2025-05-18. Review status: criteria provided, single submitter. Criteria: Invitae Variant Classification Sherloc (09022015). Collection method: clinical testing. Allele origin: germline.
Comment: This sequence change replaces valine, which is neutral and non-polar, with isoleucine, which is neutral and non-polar, at codon 286 of the KCNQ3 protein (p.Val286Ile). This variant is present in population databases (rs549372035, gnomAD 0.03%). This variant has not been reported in the literature in individuals affected with KCNQ3-related conditions. ClinVar contains an entry for this variant (Variation ID: 205965). Invitae Evidence Modeling of protein sequence and biophysical properties (such as structural, functional, and spatial information, amino acid conservation, physicochemical variation, residue mobility, and thermodynamic stability) has been performed for this missense variant. However, the output from this modeling did not meet the statistical confidence thresholds required to predict the impact of this variant on KCNQ3 protein function. In summary, the available evidence is currently insufficient to determine the role of this variant in disease. Therefore, it has been classified as a Variant of Uncertain Significance.

GeneDx
Classification: Uncertain significance. Last evaluated: 2018-09-11. Review status: criteria provided, single submitter. Criteria: GeneDx Variant Classification (06012015). Collection method: clinical testing. Allele origin: germline. Affected: yes.
Comment: A variant of uncertain significance has been identified in the KCNQ3 gene. The V286I variant has not been published as a pathogenic variant, nor has it been reported as a benign variant to our knowledge. The V286I variant is observed in 8/30780 (0.03%) alleles from individuals of South Asian background in large population cohorts (Lek et al., 2016). The V286I variant is a conservative amino acid substitution, which is not likely to impact secondary protein structure as these residues share similar properties. In-silico analyses, including protein predictors and evolutionary conservation, support that this variant does not alter protein structure/function. Based on the currently available information, it is unclear whether this variant is a pathogenic variant or a rare benign variant.

NM_004519.4(KCNQ3):c.856G>A (p.Val286Ile)

Gene: KCNQ3 (potassium voltage-gated channel subfamily Q member 3; minus strand). Cytogenetic location: 8q24.22.
Variant type: single nucleotide variant.
Coding change: c.856G>A on transcript NM_004519.4 (MANE Select); coding-DNA position 856, G replaced by A.
Protein change: p.Val286Ile; replaces valine 286 with isoleucine.
Molecular consequence: missense variant.
Genome position (GRCh38, 1-based): chr8:132,175,530, C>T on the plus strand (G>A on the coding strand, the complement: KCNQ3 is on the minus strand). VCF-style: chr8-132175530-C-T. GRCh37 (hg19) VCF-style: chr8-133187777-C-T.
Other names: p.V286I:GTC>ATC; c.496G>A, p.Val166Ile (NM_001204824.2); short protein forms V286I, V166I.
Identifiers: ClinVar variation 205965 (VCV000205965.32), dbSNP rs549372035, ClinGen allele CA315597.
Genomic context (GRCh38, chr8:132,175,530, plus strand): 5'-CATCTGCATAGGTCTCAAACTCCTCTTTCATCTCCTCTCCTTGTGCATCCACCTCTGGGA[C>T]GTCTTTCTCAACCAGGTAGACAAGAAATGAAGAAAGGATGAGTGTCAGGAAACCGATGTA-3'
Protein context (NP_004510.1, residues 276-296): SFLVYLVEKD[Val286Ile]PEVDAQGEEM